The following is an entry in ClinVar:

NM_012330.4(KAT6B):c.4251G>A (p.Glu1417=)

Gene: KAT6B (lysine acetyltransferase 6B; plus strand). Cytogenetic location: 10q22.2.
Variant type: single nucleotide variant.
Coding change: c.4251G>A on transcript NM_012330.4 (MANE Select); coding-DNA position 4251, G replaced by A.
Protein change: p.Glu1417=; no amino-acid change (glutamic acid 1417 retained).
Molecular consequence: synonymous variant.
Genome position (GRCh38, 1-based): chr10:75,029,075, G>A. VCF-style: chr10-75029075-G-A. GRCh37 (hg19) VCF-style: chr10-76788833-G-A.
Other names: c.3702G>A, p.Glu1234= (NM_001256468.2, NM_001370138.1); c.3375G>A, p.Glu1125= (NM_001256469.2, NM_001370139.1, NM_001370140.1 and 2 more transcripts); c.3213G>A, p.Glu1071= (NM_001370132.1); c.2562G>A, p.Glu854= (NM_001370133.1); c.2166G>A, p.Glu722= (NM_001370134.1); c.1908G>A, p.Glu636= (NM_001370135.1); c.4251G>A, p.Glu1417= (NM_001370136.1, NM_001370137.1); c.3186G>A, p.Glu1062= (NM_001370143.1, NM_001370144.1).
Identifiers: ClinVar variation 1615956 (VCV001615956.28), dbSNP rs770760304, ClinGen allele CA5565003.

ClinVar aggregate classification (germline): Likely benign. Review status: criteria provided, multiple submitters, no conflicts (2 of 4 stars). 3 submissions from 3 submitters: Likely benign (3). Last evaluated 2026-09-01.

Conditions:
Genitopatellar syndrome (GTPTS). Also called: ABSENT PATELLAE, SCROTAL HYPOPLASIA, RENAL ANOMALIES, FACIAL DYSMORPHISM, AND MENTAL RETARDATION; Genitopatellar syndrome (GPS). Identifiers: Orphanet 85201, MedGen C1853566, MONDO:0011640, OMIM 606170.

Allele frequency attached by ClinVar (database versions not stated): gnomAD 0.00005 and 0.00006; gnomAD exomes 0.00005 and 0.00003; ExAC 0.00006; TOPMed 0.00007.
gnomAD v4.1: 49 of 1,614,006 alleles (0.003%); highest among the groups gnomAD compares: Middle Eastern, 0.033%; no homozygotes.

Submissions (3):

CeGaT Center for Human Genetics Tuebingen
Classification: Likely benign. Last evaluated: 2026-09-01. Review status: criteria provided, single submitter. Criteria: CeGaT Center For Human Genetics Tuebingen Variant Classification Criteria Version 2. Collection method: clinical testing. Allele origin: germline. Affected: yes. Observed: 2 variant alleles.
Comment: KAT6B: BP4, BP7

Labcorp Genetics (formerly Invitae), Labcorp
Classification: Likely benign for Genitopatellar syndrome. Last evaluated: 2025-11-25. Review status: criteria provided, single submitter. Criteria: Invitae Variant Classification Sherloc (09022015). Collection method: clinical testing. Allele origin: germline.

Blueprint Genetics
Classification: Likely benign. Last evaluated: 2024-09-09. Review status: criteria provided, single submitter. Criteria: ACMG Guidelines, 2015. Collection method: clinical testing. Allele origin: germline.